The following is an entry in ClinVar:

NM_025137.4(SPG11):c.4432C>T (p.Gln1478Ter)

Gene: SPG11 (SPG11 vesicle trafficking associated, spatacsin; minus strand). Cytogenetic location: 15q21.1.
Variant type: single nucleotide variant.
Coding change: c.4432C>T on transcript NM_025137.4 (MANE Select); coding-DNA position 4432, C replaced by T.
Protein change: p.Gln1478Ter; replaces glutamine 1478 with a stop codon.
Molecular consequence: nonsense.
Genome position (GRCh38, 1-based): chr15:44,596,085, G>A on the plus strand (C>T on the coding strand, the complement: SPG11 is on the minus strand). VCF-style: chr15-44596085-G-A. GRCh37 (hg19) VCF-style: chr15-44888283-G-A.
Other names: c.4432C>T, p.Gln1478Ter (NM_001160227.2); c.4432C>T (NM_025137.3); short protein forms Q1478*.
Identifiers: ClinVar variation 1072015 (VCV001072015.9), dbSNP rs2140971559, ClinGen allele CA392227288.

ClinVar aggregate classification (germline): Pathogenic (1 of 4 stars; one submission).

Conditions:
Hereditary spastic paraplegia 11. Also called: SPASTIC PARAPLEGIA, AUTOSOMAL RECESSIVE, COMPLICATED, WITH THIN CORPUS CALLOSUM; SPASTIC PARAPLEGIA, AUTOSOMAL RECESSIVE, WITH MENTAL IMPAIRMENT AND THIN CORPUS CALLOSUM; Nakamura Osame syndrome; Autosomal recessive hereditary spastic paraplegia, mental impairment, and thin corpus callosum; Spastic paraplegia, mental retardation and thin corpus callosum; Spastic Paraplegia 11. Identifiers: Orphanet 2822, MedGen C1858479, MONDO:0011445, OMIM 604360.
Charcot-Marie-Tooth disease axonal type 2X. Also called: CHARCOT-MARIE-TOOTH DISEASE, AXONAL, AUTOSOMAL RECESSIVE, TYPE 2X; CHARCOT-MARIE-TOOTH NEUROPATHY, TYPE 2X. Identifiers: Orphanet 466775, MedGen C5569024, MONDO:0014726, OMIM 616668.
Juvenile amyotrophic lateral sclerosis (JALS). Also called: Juvenile Amyotrophic Lateral Sclerosis (JALS). Identifiers: Orphanet 300605, MedGen C3468114, MONDO:0017593.

Submission:

Labcorp Genetics (formerly Invitae), Labcorp
Classification: Pathogenic for Hereditary spastic paraplegia 11. Last evaluated: 2023-11-27. Review status: criteria provided, single submitter. Criteria: Invitae Variant Classification Sherloc (09022015). Collection method: clinical testing. Allele origin: germline.
Comment: This sequence change creates a premature translational stop signal (p.Gln1478*) in the SPG11 gene. It is expected to result in an absent or disrupted protein product. Loss-of-function variants in SPG11 are known to be pathogenic (PMID: 19105190, 20110243, 22154821, 26556829). This variant is not present in population databases (gnomAD no frequency). This variant has not been reported in the literature in individuals affected with SPG11-related conditions. ClinVar contains an entry for this variant (Variation ID: 1072015). Algorithms developed to predict the effect of sequence changes on RNA splicing suggest that this variant may disrupt the consensus splice site. For these reasons, this variant has been classified as Pathogenic.

Literature cited by the submitters: PubMed 19105190 (cited by Labcorp Genetics (formerly Invitae), Labcorp); PubMed 20110243 (cited by Labcorp Genetics (formerly Invitae), Labcorp); PubMed 22154821 (cited by Labcorp Genetics (formerly Invitae), Labcorp); PubMed 26556829 (cited by Labcorp Genetics (formerly Invitae), Labcorp).